The following is an entry in ClinVar:

ClinVar aggregate classification (germline): Conflicting classifications of pathogenicity. Review status: criteria provided, conflicting classifications (1 of 4 stars). 2 submissions from 2 submitters: Uncertain significance (1); Likely benign (1). Last evaluated 2026-04-15.

Conditions:
Hereditary cancer-predisposing syndrome. Also called: Neoplastic Syndromes, Hereditary; Tumor predisposition; Hereditary Cancer Syndrome; Hereditary neoplastic syndrome. Identifiers: Orphanet 140162, MedGen C0027672, MeSH D009386, MONDO:0015356.
Familial cancer of breast. Also called: Hereditary breast cancer; hereditary breast carcinoma; BREAST CANCER, FAMILIAL. Identifiers: Orphanet 227535, MedGen C0346153, MONDO:0016419, OMIM 114480. Disease mechanism: loss of function.

Submissions (2):

Ambry Genetics
Classification: Uncertain significance for Hereditary cancer-predisposing syndrome. Last evaluated: 2026-04-15. Review status: criteria provided, single submitter. Criteria: Ambry Variant Classification Scheme 2023. Collection method: clinical testing. Allele origin: germline.
Comment: The c.3144G>A variant (also known as p.K1048K), located in coding exon 11 of the PALB2 gene, results from a G to A substitution at nucleotide position 3144. This nucleotide substitution does not change the lysine at codon 1048. This nucleotide position is well conserved in available vertebrate species. In silico splice site analysis predicts that this alteration may weaken the native splice acceptor site. Based on the available evidence, the clinical significance of this variant remains unclear.

Labcorp Genetics (formerly Invitae), Labcorp
Classification: Likely benign for Familial cancer of breast. Last evaluated: 2022-11-15. Review status: criteria provided, single submitter. Criteria: Invitae Variant Classification Sherloc (09022015). Collection method: clinical testing. Allele origin: germline.

NM_024675.4(PALB2):c.3144G>A (p.Lys1048=)

Gene: PALB2 (partner and localizer of BRCA2; minus strand). Cytogenetic location: 16p12.2.
Variant type: single nucleotide variant.
Coding change: c.3144G>A on transcript NM_024675.4 (MANE Select); coding-DNA position 3144, G replaced by A.
Protein change: p.Lys1048=; no amino-acid change (lysine 1048 retained).
Molecular consequence: synonymous variant. On other transcripts: intron variant (3).
Genome position (GRCh38, 1-based): chr16:23,614,061, C>T on the plus strand (G>A on the coding strand, the complement: PALB2 is on the minus strand). VCF-style: chr16-23614061-C-T. GRCh37 (hg19) VCF-style: chr16-23625382-C-T.
Other names: c.3084G>A, p.Lys1028= (NM_001407296.1); c.3072G>A, p.Lys1024= (NM_001407297.1); c.2982G>A, p.Lys994= (NM_001407298.1, NM_001407302.1); c.2865G>A, p.Lys955= (NM_001407300.1); c.3144G>A, p.Lys1048= (NM_001407301.1); c.2259G>A, p.Lys753= (NM_001407304.1, NM_001407305.1, NM_001407306.1 and 2 more transcripts); c.2097G>A, p.Lys699= (NM_001407307.1); c.1356G>A, p.Lys452= (NM_001407312.1, NM_001407313.1); and 3 more.
Identifiers: ClinVar variation 2026748 (VCV002026748.5), dbSNP rs2142299759, ClinGen allele CA494177696.